The following is an entry in ClinVar:

ClinVar aggregate classification (germline): Conflicting classifications of pathogenicity. Review status: criteria provided, conflicting classifications (1 of 4 stars). 3 submissions from 3 submitters: Likely pathogenic (1); Uncertain significance (1). 1 of the submissions does not count toward it. Last evaluated 2025-11-09.

Conditions:
Neuronopathy, distal hereditary motor, autosomal dominant. Also called: Autosomal dominant distal hereditary motor neuropathy. Identifiers: Orphanet 140465, MedGen C5548212, MONDO:0015362.
Autosomal recessive distal spinal muscular atrophy 1. Also called: NEURONOPATHY, DISTAL HEREDITARY MOTOR, HARDING TYPE VI; NEUROPATHY, DISTAL HEREDITARY MOTOR, AUTOSOMAL RECESSIVE 1; Spinal muscular atrophy with respiratory distress 1; HMN VI; NEURONOPATHY, SEVERE INFANTILE AXONAL, WITH RESPIRATORY FAILURE; SEVERE INFANTILE AXONAL NEUROPATHY WITH RESPIRATORY FAILURE. Identifiers: Orphanet 98920, MedGen C1858517, MONDO:0011436, OMIM 604320.

Allele frequency attached by ClinVar (database versions not stated): gnomAD exomes below 0.00001 and 0.00001; ExAC 0.00002.
gnomAD v4.1: 5 of 1,612,658 alleles (0.00031%); highest among the groups gnomAD compares: South Asian, 0.0055%; no homozygotes.

Submissions (3):

3billion
Classification: Likely pathogenic for Autosomal recessive distal spinal muscular atrophy 1. Last evaluated: 2025-11-09. Review status: criteria provided, single submitter. Criteria: ACMG Guidelines, 2015. Collection method: clinical testing. Allele origin: germline. Affected: yes.
Comment: The variant is observed at an extremely low frequency in the gnomAD v4.1.0 dataset (total allele frequency: <0.001%). Predicted Consequence/Location: Missense variant In silico tool predictions suggest damaging effect of the variant on gene or gene product [REVEL: 0.79 (>=0.6, sensitivity 0.68 and specificity 0.92); 3Cnet: 0.77 (> 0.75, sensitivity 0.96 and precision 0.92)]. The same nucleotide change resulting in the same amino acid change has been previously reported to be associated with IGHMBP2-related disorder (PMID: 23566544).The variant has been reported to be in trans with a pathogenic variant as either compound heterozygous or homozygous in at least one similarly affected unrelated individual (PMID: 23566544). The variant has been reported to co-segregate with the disease in at least one similarly affected relative/individual in the same family or similarly affected unrelated families (PMID: 23566544). Therefore, this variant is classified as Likely pathogenic according to the recommendation of ACMG/AMP guideline.

GeneDx
Classification: Uncertain significance. Last evaluated: 2024-10-17. Review status: criteria provided, single submitter. Criteria: GeneDx Variant Classification Process June 2021. Collection method: clinical testing. Allele origin: germline. Affected: yes.
Comment: In silico analysis supports that this missense variant has a deleterious effect on protein structure/function; This variant is associated with the following publications: (PMID: 24388491, 25439726, 22965130, 23566544)

Inherited Neuropathy Consortium
Classification: Uncertain significance for Autosomal dominant distal hereditary motor neuropathy. Review status: no assertion criteria provided. Collection method: literature only. Allele origin: germline. Affected: yes. Not counted in ClinVar's aggregate classification.

Literature cited by the submitters: PubMed 23566544 (cited by 3billion and Inherited Neuropathy Consortium).

NM_002180.3(IGHMBP2):c.1610T>A (p.Val537Glu)

Genes: IGHMBP2 (immunoglobulin mu DNA binding protein 2; plus strand), LOC126861245 (CDK7 strongly-dependent group 2 enhancer GRCh37_chr11:68701479-68702678; plus strand). Cytogenetic location: 11q13.3.
Variant type: single nucleotide variant.
Coding change: c.1610T>A on transcript NM_002180.3 (MANE Select); coding-DNA position 1610, T replaced by A.
Protein change: p.Val537Glu; replaces valine 537 with glutamic acid.
Molecular consequence: missense variant.
Genome position (GRCh38, 1-based): chr11:68,934,536, T>A. VCF-style: chr11-68934536-T-A. GRCh37 (hg19) VCF-style: chr11-68702004-T-A.
Other names: short protein forms V537E.
Identifiers: ClinVar variation 637276 (VCV000637276.3), dbSNP rs749172831, ClinGen allele CA6153715.
Genomic context (GRCh38, chr11:68,934,536, plus strand): 5'-TCGTCAGTTTGCACATCCAGGCTCTGGTGGACGCTGGTGTTCCAGCCCGTGACATTGCTG[T>A]GGTCTCGCCATACAACCTCCAGGTACGAGGGTTTCCTTTTGTCCCTCTACAGAGCAGCTG-3'
Protein context (NP_002171.2, residues 527-547): DAGVPARDIA[Val537Glu]VSPYNLQVDL